The following is an entry in ClinVar:

NM_006086.4(TUBB3):c.900G>A (p.Met300Ile)

Gene: TUBB3 (tubulin beta 3 class III; plus strand). Cytogenetic location: 16q24.3.
Variant type: single nucleotide variant.
Coding change: c.900G>A on transcript NM_006086.4 (MANE Select); coding-DNA position 900, G replaced by A.
Protein change: p.Met300Ile; replaces methionine 300 with isoleucine.
Molecular consequence: missense variant.
Genome position (GRCh38, 1-based): chr16:89,935,351, G>A. VCF-style: chr16-89935351-G-A. GRCh37 (hg19) VCF-style: chr16-90001759-G-A.
Other names: c.684G>A, p.Met228Ile (NM_001197181.2); short protein forms M228I, M300I.
Identifiers: ClinVar variation 3348900 (VCV003348900.1).

ClinVar aggregate classification (germline): Likely pathogenic (0 of 4 stars; one submission).

Conditions:
TUBB3-related disorder. Also called: TUBB3-related condition; TUBB3-related disorders.

Submission:

PreventionGenetics, part of Exact Sciences
Classification: Likely pathogenic for TUBB3-related condition. Last evaluated: 2024-03-05. Review status: no assertion criteria provided. Collection method: clinical testing. Allele origin: germline.
Comment: The TUBB3 c.900G>A variant is predicted to result in the amino acid substitution p.Met300Ile. To our knowledge, this variant has not been reported in the literature or in a large population database, indicating this variant is rare. This variant is interpreted as likely pathogenic.